The following is an entry in ClinVar:

NM_003737.4(DCHS1):c.4395C>T (p.Gly1465=)

Gene: DCHS1 (dachsous cadherin-related 1; minus strand). Cytogenetic location: 11p15.4.
Variant type: single nucleotide variant.
Coding change: c.4395C>T on transcript NM_003737.4 (MANE Select); coding-DNA position 4395, C replaced by T.
Protein change: p.Gly1465=; no amino-acid change (glycine 1465 retained).
Molecular consequence: synonymous variant.
Genome position (GRCh38, 1-based): chr11:6,630,399, G>A on the plus strand (C>T on the coding strand, the complement: DCHS1 is on the minus strand). VCF-style: chr11-6630399-G-A. GRCh37 (hg19) VCF-style: chr11-6651630-G-A.
Identifiers: ClinVar variation 1954971 (VCV001954971.29), dbSNP rs981179741, ClinGen allele CA473240028.
Genomic context (GRCh38, chr11:6,630,399, plus strand): 5'-CGCCGGCACGGGCGGCTCCTGGCGCAGCAGGCGGTAGCGCACGTCGCTATTGGGGCCGGG[G>A]CCGTCGGCGTCCGACGCGCGGAAAGTGTACAGCGCTGCGCCGGGCTCCGGGTTCTCTGGC-3'
Protein context (NP_003728.1, residues 1455-1475): LYTFRASDAD[Gly1465=]PGPNSDVRYR

ClinVar aggregate classification (germline): Likely benign. Review status: criteria provided, multiple submitters, no conflicts (2 of 4 stars). 2 submissions from 2 submitters: Likely benign (2). Last evaluated 2023-06-30.

gnomAD v4.1: 2 of 1,418,694 alleles (0.00014%); highest among the groups gnomAD compares: Non-Finnish European, 0.00018%; no homozygotes.

Submissions (2):

Labcorp Genetics (formerly Invitae), Labcorp
Classification: Likely benign. Last evaluated: 2023-06-30. Review status: criteria provided, single submitter. Criteria: Invitae Variant Classification Sherloc (09022015). Collection method: clinical testing. Allele origin: germline.

CeGaT Center for Human Genetics Tuebingen
Classification: Likely benign. Last evaluated: 2023-01-01. Review status: criteria provided, single submitter. Criteria: CeGaT Center For Human Genetics Tuebingen Variant Classification Criteria Version 2. Collection method: clinical testing. Allele origin: germline. Affected: yes. Observed: 1 variant allele.
Comment: DCHS1: BP4, BP7